The following is an entry in ClinVar:

ClinVar aggregate classification (germline): Uncertain significance (1 of 4 stars; one submission).

Conditions:
3M syndrome 1. Also called: 3-M Syndrome, CUL7-Related. Identifiers: Orphanet 2616, MedGen C2678312, MONDO:0010117, OMIM 273750.

Allele frequency attached by ClinVar (database versions not stated): gnomAD exomes 0.00002; TOPMed 0.00002; ExAC 0.00003; gnomAD 0.00003.

Submission:

Neuberg Centre For Genomic Medicine, NCGM
Classification: Uncertain significance for 3M syndrome 1. Review status: criteria provided, single submitter. Criteria: ACMG Guidelines, 2015. Collection method: clinical testing. Allele origin: germline. Affected: yes.
Comment: The missense variant p.R1299C in CUL7 (NM_014780.5) has not been reported previously as a pathogenic variant nor as a benign variant, to our knowledge. The p.R1299C variant is observed in 4/18,394 (0.0217%) alleles from individuals of East Asian background in gnomAD Exomes and is novel (not in any individuals) in 1000 Genomes. The p.R1299C missense variant is predicted to be damaging by both SIFT and PolyPhen2. The arginine residue at codon 1299 of CUL7 is conserved in all mammalian species. The nucleotide c.3895 in CUL7 is predicted conserved by GERP++ and PhyloP across 100 vertebrates. For these reasons, this variant has been classified as Uncertain Significance

NM_014780.5(CUL7):c.3895C>T (p.Arg1299Cys)

Gene: CUL7 (cullin 7; minus strand). Cytogenetic location: 6p21.1.
Variant type: single nucleotide variant.
Coding change: c.3895C>T on transcript NM_014780.5 (MANE Select); coding-DNA position 3895, C replaced by T.
Protein change: p.Arg1299Cys; replaces arginine 1299 with cysteine.
Molecular consequence: missense variant.
Genome position (GRCh38, 1-based): chr6:43,040,658, G>A on the plus strand (C>T on the coding strand, the complement: CUL7 is on the minus strand). VCF-style: chr6-43040658-G-A. GRCh37 (hg19) VCF-style: chr6-43008396-G-A.
Other names: c.3991C>T, p.Arg1331Cys (NM_001168370.2, NM_001374872.1); c.3895C>T, p.Arg1299Cys (NM_001374873.1); c.3892C>T, p.Arg1298Cys (NM_001374874.1); short protein forms R1298C, R1299C, R1331C.
Identifiers: ClinVar variation 1338981 (VCV001338981.2), dbSNP rs759612933, ClinGen allele CA3813357.
Genomic context (GRCh38, chr6:43,040,658, plus strand): 5'-GGAACTGGCGCTGCAGCTCCTTAGAGGTGCTCAGGCTCTGCAACATCTGCTGGGGGAGGC[G>A]GTTGGGGAAGCAGGGACCGATCTGCTCCAGCACGGCCCCCTCCAGCCAGCTCGAGACCAC-3'
Protein context (NP_055595.2, residues 1289-1309): LEQIGPCFPN[Arg1299Cys]LPQQMLQSLS